The following is an entry in ClinVar:

ClinVar aggregate classification (germline): Uncertain significance (1 of 4 stars; one submission).

Conditions:
Cardiovascular phenotype. Identifiers: MedGen CN230736.

gnomAD v4.1: 6 of 1,614,210 alleles (0.00037%); highest among the groups gnomAD compares: South Asian, 0.0011%; no homozygotes.

Submission:

Ambry Genetics
Classification: Uncertain significance for Cardiovascular phenotype. Last evaluated: 2025-05-10. Review status: criteria provided, single submitter. Criteria: Ambry Variant Classification Scheme 2023. Collection method: clinical testing. Allele origin: germline.
Comment: The p.G499V variant (also known as c.1496G>T), located in coding exon 11 of the ABCG8 gene, results from a G to T substitution at nucleotide position 1496. The glycine at codon 499 is replaced by valine, an amino acid with dissimilar properties. This amino acid position is conserved. In addition, this alteration is predicted to be deleterious by in silico analysis. Based on the available evidence, the clinical significance of this variant remains unclear.

NM_022437.3(ABCG8):c.1496G>T (p.Gly499Val)

Gene: ABCG8 (ATP binding cassette subfamily G member 8; plus strand). Cytogenetic location: 2p21.
Variant type: single nucleotide variant.
Coding change: c.1496G>T on transcript NM_022437.3 (MANE Select); coding-DNA position 1496, G replaced by T.
Protein change: p.Gly499Val; replaces glycine 499 with valine.
Molecular consequence: missense variant.
Genome position (GRCh38, 1-based): chr2:43,875,153, G>T. VCF-style: chr2-43875153-G-T. GRCh37 (hg19) VCF-style: chr2-44102292-G-T.
Other names: c.1493G>T, p.Gly498Val (NM_001357321.2); short protein forms G498V, G499V.
Identifiers: ClinVar variation 3992649 (VCV003992649.1).